The following is an entry in ClinVar:

ClinVar aggregate classification (germline): Uncertain significance (1 of 4 stars; one submission).

Conditions:
Primary open angle glaucoma (POAG). Also called: OPTN-related open angle glaucoma. Identifiers: MedGen C0339573, MONDO:0100553, OMIM 137760.
Amyotrophic lateral sclerosis type 12 (ALS12). Also called: AMYOTROPHIC LATERAL SCLEROSIS 12 WITH OR WITHOUT FRONTOTEMPORAL DEMENTIA. Identifiers: Orphanet 803, MedGen C3150692, MONDO:0013264, OMIM 613435.
Glaucoma 1, open angle, E. Identifiers: MedGen C1842026, MONDO:0007665.

Submission:

Labcorp Genetics (formerly Invitae), Labcorp
Classification: Uncertain significance for Primary open angle glaucoma; Glaucoma 1, open angle, E; Amyotrophic lateral sclerosis type 12. Last evaluated: 2025-10-09. Review status: criteria provided, single submitter. Criteria: Invitae Variant Classification Sherloc (09022015). Collection method: clinical testing. Allele origin: germline.
Comment: This sequence change falls in intron 12 of the OPTN gene. It does not directly change the encoded amino acid sequence of the OPTN protein. It affects a nucleotide within the consensus splice site. This variant is not present in population databases (gnomAD no frequency). This variant has not been reported in the literature in individuals affected with OPTN-related conditions. Variants that disrupt the consensus splice site are a relatively common cause of aberrant splicing (PMID: 17576681, 9536098). Algorithms developed to predict the effect of sequence changes on RNA splicing suggest that this variant may disrupt the consensus splice site. In summary, the available evidence is currently insufficient to determine the role of this variant in disease. Therefore, it has been classified as a Variant of Uncertain Significance.

Literature cited by the submitters: PubMed 17576681; PubMed 9536098.

NM_001008212.2(OPTN):c.1533-3C>G

Gene: OPTN (optineurin; plus strand). Cytogenetic location: 10p13.
Variant type: single nucleotide variant.
Coding change: c.1533-3C>G on transcript NM_001008212.2 (MANE Select); 3 bases into the intron before coding-DNA position 1533, C replaced by G.
Molecular consequence: intron variant.
Genome position (GRCh38, 1-based): chr10:13,133,499, C>G. VCF-style: chr10-13133499-C-G. GRCh37 (hg19) VCF-style: chr10-13175499-C-G.
Other names: c.1533-3C>G (NM_001008211.1, NM_001008213.1, NM_021980.4).
Identifiers: ClinVar variation 4786361 (VCV004786361.1).